The following is an entry in ClinVar:

ClinVar aggregate classification (germline): Uncertain significance (1 of 4 stars; one submission).

Conditions:
Inborn genetic diseases. Identifiers: MedGen C0950123, MeSH D030342.

gnomAD v4.1: 33 of 1,606,652 alleles (0.0021%); highest among the groups gnomAD compares: Non-Finnish European, 0.0027%; no homozygotes.

Submission:

Ambry Genetics
Classification: Uncertain significance for Inborn genetic diseases. Last evaluated: 2025-02-09. Review status: criteria provided, single submitter. Criteria: Ambry Variant Classification Scheme 2023. Collection method: clinical testing. Allele origin: germline.
Comment: The p.C472Y variant (also known as c.1415G>A), located in coding exon 7 of the SH2B3 gene, results from a G to A substitution at nucleotide position 1415. The cysteine at codon 472 is replaced by tyrosine, an amino acid with highly dissimilar properties. This amino acid position is conserved. In addition, this alteration is predicted to be tolerated by in silico analysis. Based on the available evidence, the clinical significance of this variant remains unclear.

NM_005475.3(SH2B3):c.1415G>A (p.Cys472Tyr)

Gene: SH2B3 (SH2B adaptor protein 3; plus strand). Cytogenetic location: 12q24.12.
Variant type: single nucleotide variant.
Coding change: c.1415G>A on transcript NM_005475.3 (MANE Select); coding-DNA position 1415, G replaced by A.
Protein change: p.Cys472Tyr; replaces cysteine 472 with tyrosine.
Molecular consequence: missense variant.
Genome position (GRCh38, 1-based): chr12:111,447,989, G>A. VCF-style: chr12-111447989-G-A. GRCh37 (hg19) VCF-style: chr12-111885793-G-A.
Other names: c.809G>A, p.Cys270Tyr (NM_001291424.1); short protein forms C270Y, C472Y.
Identifiers: ClinVar variation 3795185 (VCV003795185.1).